The following is an entry in ClinVar:

NM_147127.5(EVC2):c.1949T>C (p.Phe650Ser)

Gene: EVC2 (EvC ciliary complex subunit 2; minus strand). Cytogenetic location: 4p16.2.
Variant type: single nucleotide variant.
Coding change: c.1949T>C on transcript NM_147127.5 (MANE Select); coding-DNA position 1949, T replaced by C.
Protein change: p.Phe650Ser; replaces phenylalanine 650 with serine.
Molecular consequence: missense variant.
Genome position (GRCh38, 1-based): chr4:5,625,846, A>G on the plus strand (T>C on the coding strand, the complement: EVC2 is on the minus strand). VCF-style: chr4-5625846-A-G. GRCh37 (hg19) VCF-style: chr4-5627573-A-G.
Other names: c.1709T>C, p.Phe570Ser (NM_001166136.2); short protein forms F570S, F650S.
Identifiers: ClinVar variation 3752488 (VCV003752488.2).
Genomic context (GRCh38, chr4:5,625,846, plus strand): 5'-TTTTGGTGGAGCTTTTTCTTTTCCTGCTTTAAGTCATTGTCCAACTTCTGCTTGATTGAA[A>G]AGACTTCTGTCTGAGCCCGCTCCAATAGCATTTCCATTTGGTCTTCATCCAGGTACCCTG-3'
Protein context (NP_667338.3, residues 640-660): MLLERAQTEV[Phe650Ser]SIKQKLDNDL

ClinVar aggregate classification (germline): Uncertain significance (1 of 4 stars; one submission).

Conditions:
Curry-Hall syndrome (WAD). Also called: WEYERS ACRODENTAL DYSOSTOSIS. Identifiers: Orphanet 952, MedGen C0457013, MONDO:0008673, OMIM 193530.
Ellis-van Creveld syndrome (EVC). Also called: EVC-Related Ellis-van Creveld Syndrome; EVC2-Related Ellis-van Creveld Syndrome; MESOECTODERMAL DYSPLASIA; Chondroectodermal dysplasia. Identifiers: Orphanet 289, MedGen C0013903, MONDO:0009162, OMIM 225500.

Submission:

Labcorp Genetics (formerly Invitae), Labcorp
Classification: Uncertain significance for Curry-Hall syndrome; Ellis-van Creveld syndrome. Last evaluated: 2024-02-22. Review status: criteria provided, single submitter. Criteria: Invitae Variant Classification Sherloc (09022015). Collection method: clinical testing. Allele origin: germline.
Comment: This sequence change replaces phenylalanine, which is neutral and non-polar, with serine, which is neutral and polar, at codon 650 of the EVC2 protein (p.Phe650Ser). This variant is not present in population databases (gnomAD no frequency). This variant has not been reported in the literature in individuals affected with EVC2-related conditions. An algorithm developed to predict the effect of missense changes on protein structure and function (PolyPhen-2) suggests that this variant is likely to be disruptive. In summary, the available evidence is currently insufficient to determine the role of this variant in disease. Therefore, it has been classified as a Variant of Uncertain Significance.